The following is an entry in ClinVar:

ClinVar aggregate classification (germline): Uncertain significance (1 of 4 stars; one submission).

Allele frequency attached by ClinVar (database versions not stated): gnomAD exomes below 0.00001.
gnomAD v4.1: 5 of 1,575,960 alleles (0.00032%); highest among the groups gnomAD compares: Non-Finnish European, 0.00043%; no homozygotes.

Submission:

Labcorp Genetics (formerly Invitae), Labcorp
Classification: Uncertain significance. Last evaluated: 2021-11-01. Review status: criteria provided, single submitter. Criteria: Invitae Variant Classification Sherloc (09022015). Collection method: clinical testing. Allele origin: germline.
Comment: In summary, the available evidence is currently insufficient to determine the role of this variant in disease. Therefore, it has been classified as a Variant of Uncertain Significance. Algorithms developed to predict the effect of missense changes on protein structure and function output the following: SIFT: "Tolerated"; PolyPhen-2: "Benign"; Align-GVGD: "Class C0". The phenylalanine amino acid residue is found in multiple mammalian species, which suggests that this missense change does not adversely affect protein function. This variant has not been reported in the literature in individuals affected with ARHGEF18-related conditions. This variant is not present in population databases (gnomAD no frequency). This sequence change replaces tyrosine, which is neutral and polar, with phenylalanine, which is neutral and non-polar, at codon 1003 of the ARHGEF18 protein (p.Tyr1003Phe).

NM_001367823.1(ARHGEF18):c.3572A>T (p.Tyr1191Phe)

Gene: ARHGEF18 (Rho/Rac guanine nucleotide exchange factor 18; plus strand). Cytogenetic location: 19p13.2.
Variant type: single nucleotide variant.
Coding change: c.3572A>T on transcript NM_001367823.1 (MANE Select); coding-DNA position 3572, A replaced by T.
Protein change: p.Tyr1191Phe; replaces tyrosine 1191 with phenylalanine.
Molecular consequence: missense variant.
Genome position (GRCh38, 1-based): chr19:7,468,916, A>T. VCF-style: chr19-7468916-A-T. GRCh37 (hg19) VCF-style: chr19-7533802-A-T.
Other names: c.2846A>T, p.Tyr949Phe (NM_001130955.2); c.2534A>T, p.Tyr845Phe (NM_001367824.1, NM_015318.4); short protein forms Y949F, Y845F, Y1191F.
Identifiers: ClinVar variation 1466857 (VCV001466857.6), dbSNP rs1460523488, ClinGen allele CA403092493.
Genomic context (GRCh38, chr19:7,468,916, plus strand): 5'-ACGGGGAAGGGCTGGAGGGCCCTCGTGTGAGCATGCTGCCATCCGGCGTGGGGCCAGAGT[A>T]CGCAGAGCGCCCCGAGGTGGCTCGCCGGGACAGCGCCCCCACCGAGAACCGGCTGGCCAA-3'
Protein context (NP_001354752.1, residues 1181-1201): SMLPSGVGPE[Tyr1191Phe]AERPEVARRD